The following is an entry in ClinVar:

NM_003816.3(ADAM9):c.2402G>A (p.Gly801Glu)

Gene: ADAM9 (ADAM metallopeptidase domain 9; plus strand). Cytogenetic location: 8p11.22.
Variant type: single nucleotide variant.
Coding change: c.2402G>A on transcript NM_003816.3 (MANE Select); coding-DNA position 2402, G replaced by A.
Protein change: p.Gly801Glu; replaces glycine 801 with glutamic acid.
Molecular consequence: missense variant. On other transcripts: non-coding transcript variant (3).
Genome position (GRCh38, 1-based): chr8:39,103,642, G>A. VCF-style: chr8-39103642-G-A. GRCh37 (hg19) VCF-style: chr8-38961161-G-A.
Other names: c.2402G>A (NM_003816.2); short protein forms G801E.
Identifiers: ClinVar variation 3689356 (VCV003689356.3).
Genomic context (GRCh38, chr8:39,103,642, plus strand): 5'-TTAACTATCTCTTTTCCCCTCGCAGGCCACCTCCACCACAACCGAAAGTATCATCTCAGG[G>A]AAACTTAATTCCTGCCCGTCCTGCTCCTGCACCTCCTTTATATAGTTCCCTCACTTGATT-3'
Protein context (NP_003807.1, residues 791-811): PPPQPKVSSQ[Gly801Glu]NLIPARPAPA

ClinVar aggregate classification (germline): Uncertain significance. Review status: criteria provided, multiple submitters, no conflicts (2 of 4 stars). 2 submissions from 2 submitters: Uncertain significance (2). Last evaluated 2025-08-22.

Conditions:
Inborn genetic diseases. Identifiers: MedGen C0950123, MeSH D030342.

gnomAD v4.1: 3 of 1,614,034 alleles (0.00019%); highest among the groups gnomAD compares: Non-Finnish European, 0.00025%; no homozygotes.

Submissions (2):

Ambry Genetics
Classification: Uncertain significance for Inborn genetic diseases. Last evaluated: 2025-08-22. Review status: criteria provided, single submitter. Criteria: Ambry Variant Classification Scheme 2023. Collection method: clinical testing. Allele origin: germline.

Labcorp Genetics (formerly Invitae), Labcorp
Classification: Uncertain significance. Last evaluated: 2024-11-01. Review status: criteria provided, single submitter. Criteria: Invitae Variant Classification Sherloc (09022015). Collection method: clinical testing. Allele origin: germline.
Comment: This sequence change replaces glycine, which is neutral and non-polar, with glutamic acid, which is acidic and polar, at codon 801 of the ADAM9 protein (p.Gly801Glu). This variant is present in population databases (rs756845334, gnomAD 0.0009%). This variant has not been reported in the literature in individuals affected with ADAM9-related conditions. An algorithm developed to predict the effect of missense changes on protein structure and function (PolyPhen-2) suggests that this variant is likely to be disruptive. In summary, the available evidence is currently insufficient to determine the role of this variant in disease. Therefore, it has been classified as a Variant of Uncertain Significance.